The following is an entry in ClinVar:

NM_000384.3(APOB):c.7930A>C (p.Arg2644=)

Gene: APOB (apolipoprotein B; minus strand). Cytogenetic location: 2p24.1.
Variant type: single nucleotide variant.
Coding change: c.7930A>C on transcript NM_000384.3 (MANE Select); coding-DNA position 7930, A replaced by C.
Protein change: p.Arg2644=; no amino-acid change (arginine 2644 retained).
Molecular consequence: synonymous variant.
Genome position (GRCh38, 1-based): chr2:21,008,938, T>G on the plus strand (A>C on the coding strand, the complement: APOB is on the minus strand). VCF-style: chr2-21008938-T-G. GRCh37 (hg19) VCF-style: chr2-21231810-T-G.
Identifiers: ClinVar variation 507706 (VCV000507706.4), dbSNP rs1553383425, ClinGen allele CA425345029.

ClinVar aggregate classification (germline): Likely benign. Review status: criteria provided, multiple submitters, no conflicts (2 of 4 stars). 2 submissions from 2 submitters: Likely benign (2). Last evaluated 2025-04-09.

Allele frequency attached by ClinVar (database versions not stated): gnomAD exomes below 0.00001.
gnomAD v4.1: 2 of 1,614,070 alleles (0.00012%); highest among the groups gnomAD compares: Non-Finnish European, 0.00017%; no homozygotes.

Submissions (2):

Molecular Diagnostic Laboratory for Inherited Cardiovascular Disease, Montreal Heart Institute
Classification: Likely benign. Last evaluated: 2025-04-09. Review status: criteria provided, single submitter. Criteria: ACMG Guidelines, 2015. Collection method: clinical testing. Allele origin: germline. Affected: no.
Comment: BP7

GeneDx
Classification: Likely benign. Last evaluated: 2017-03-03. Review status: criteria provided, single submitter. Criteria: GeneDx Variant Classification (06012015). Collection method: clinical testing. Allele origin: germline. Affected: yes.
Comment: This variant is considered likely benign or benign based on one or more of the following criteria: it is a conservative change, it occurs at a poorly conserved position in the protein, it is predicted to be benign by multiple in silico algorithms, and/or has population frequency not consistent with disease.